The following is an entry in ClinVar:

ClinVar aggregate classification (germline): Uncertain significance (1 of 4 stars; one submission).

gnomAD v4.1: 1 of 1,614,100 alleles (0.000062%); no homozygotes.

Submission:

CeGaT Center for Human Genetics Tuebingen
Classification: Uncertain significance. Last evaluated: 2024-08-01. Review status: criteria provided, single submitter. Criteria: CeGaT Center For Human Genetics Tuebingen Variant Classification Criteria Version 2. Collection method: clinical testing. Allele origin: germline. Affected: yes. Observed: 1 variant allele.
Comment: FBN2: PM2

NM_001999.4(FBN2):c.5660A>T (p.Asn1887Ile)

Gene: FBN2 (fibrillin 2; minus strand). Cytogenetic location: 5q23.3.
Variant type: single nucleotide variant.
Coding change: c.5660A>T on transcript NM_001999.4 (MANE Select); coding-DNA position 5660, A replaced by T.
Protein change: p.Asn1887Ile; replaces asparagine 1887 with isoleucine.
Molecular consequence: missense variant.
Genome position (GRCh38, 1-based): chr5:128,305,525, T>A on the plus strand (A>T on the coding strand, the complement: FBN2 is on the minus strand). VCF-style: chr5-128305525-T-A. GRCh37 (hg19) VCF-style: chr5-127641217-T-A.
Other names: short protein forms N1887I.
Identifiers: ClinVar variation 3341861 (VCV003341861.16).